The following is an entry in ClinVar:

NM_005068.3(SIM1):c.1133C>T (p.Ser378Leu)

Genes: SIM1 (SIM bHLH transcription factor 1; minus strand), SIM1-AS1 (SIM1 antisense RNA 1; plus strand). Cytogenetic location: 6q16.3.
Variant type: single nucleotide variant.
Coding change: c.1133C>T on transcript NM_005068.3 (MANE Select); coding-DNA position 1133, C replaced by T.
Protein change: p.Ser378Leu; replaces serine 378 with leucine.
Molecular consequence: missense variant.
Genome position (GRCh38, 1-based): chr6:100,420,824, G>A on the plus strand (C>T on the coding strand, the complement: SIM1 is on the minus strand). VCF-style: chr6-100420824-G-A. GRCh37 (hg19) VCF-style: chr6-100868700-G-A.
Other names: c.1133C>T, p.Ser378Leu (NM_001374769.1); short protein forms S378L.
Identifiers: ClinVar variation 3347505 (VCV003347505.1).

ClinVar aggregate classification (germline): Uncertain significance (0 of 4 stars; one submission).

Conditions:
SIM1-related disorder. Also called: SIM1-related condition; SIM1-related disorders.

Submission:

PreventionGenetics, part of Exact Sciences
Classification: Uncertain significance for SIM1-related condition. Last evaluated: 2024-05-10. Review status: no assertion criteria provided. Collection method: clinical testing. Allele origin: germline.
Comment: The SIM1 c.1133C>T variant is predicted to result in the amino acid substitution p.Ser378Leu. To our knowledge, this variant has not been reported in the literature or in a large population database, indicating this variant is rare. At this time, the clinical significance of this variant is uncertain due to the absence of conclusive functional and genetic evidence.